The following is an entry in ClinVar:

ClinVar aggregate classification (germline): Uncertain significance (1 of 4 stars; one submission).

Allele frequency attached by ClinVar (database versions not stated): ExAC 0.00002; gnomAD 0.00002; gnomAD exomes 0.00002; TOPMed 0.00002.

Submission:

Labcorp Genetics (formerly Invitae), Labcorp
Classification: Uncertain significance. Last evaluated: 2025-10-01. Review status: criteria provided, single submitter. Criteria: Invitae Variant Classification Sherloc (09022015). Collection method: clinical testing. Allele origin: germline.
Comment: This sequence change replaces valine, which is neutral and non-polar, with isoleucine, which is neutral and non-polar, at codon 174 of the PCGF2 protein (p.Val174Ile). This variant is present in population databases (rs756277723, gnomAD 0.02%). This variant has not been reported in the literature in individuals affected with PCGF2-related conditions. ClinVar contains an entry for this variant (Variation ID: 1924946). Invitae Evidence Modeling of protein sequence and biophysical properties (such as structural, functional, and spatial information, amino acid conservation, physicochemical variation, residue mobility, and thermodynamic stability) indicates that this missense variant is not expected to disrupt PCGF2 protein function with a negative predictive value of 80%. In summary, the available evidence is currently insufficient to determine the role of this variant in disease. Therefore, it has been classified as a Variant of Uncertain Significance.

NM_007144.3(PCGF2):c.520G>A (p.Val174Ile)

Gene: PCGF2 (polycomb group ring finger 2; minus strand). Cytogenetic location: 17q12.
Variant type: single nucleotide variant.
Coding change: c.520G>A on transcript NM_007144.3 (MANE Select); coding-DNA position 520, G replaced by A.
Protein change: p.Val174Ile; replaces valine 174 with isoleucine.
Molecular consequence: missense variant.
Genome position (GRCh38, 1-based): chr17:38,738,409, C>T on the plus strand (G>A on the coding strand, the complement: PCGF2 is on the minus strand). VCF-style: chr17-38738409-C-T. GRCh37 (hg19) VCF-style: chr17-36894662-C-T.
Other names: c.520G>A, p.Val174Ile (NM_001369614.1, NM_001369615.1); short protein forms V174I.
Identifiers: ClinVar variation 1924946 (VCV001924946.5), dbSNP rs756277723, ClinGen allele CA8524952.
Genomic context (GRCh38, chr17:38,738,409, plus strand): 5'-CCACCTTGTACTTGCTGGGCACATCCATCTTGTTGCGGAGAAACTTGGCAAGATGCATGA[C>T]GGTCATGGCTGCTGGGCATCGCAGGAAGCGCACCCCTGTCTGCTGGGGCACAGGCACCCA-3'
Protein context (NP_009075.1, residues 164-184): RFLRCPAAMT[Val174Ile]MHLAKFLRNK